The following is an entry in ClinVar:

ClinVar aggregate classification (germline): Uncertain significance (0 of 4 stars; one submission).

Conditions:
Cardiomyopathy, familial restrictive, 6. Identifiers: MedGen C5543638, MONDO:0030330, OMIM 619433.

Allele frequency attached by ClinVar (database versions not stated): ExAC 0.00016; gnomAD 0.00033; TOPMed 0.00037; ESP Exome Variant Server 0.00038; 1000 Genomes Project 0.00040; 1000 Genomes Project 30x 0.00047.
gnomAD v4.1: 99 of 1,614,058 alleles (0.0061%); highest among the groups gnomAD compares: African/African-American, 0.12%; no homozygotes.

Submission:

Columbia University Laboratory of Personalized Genomic Medicine, Columbia University Medical Center
Classification: Uncertain significance for Cardiomyopathy, familial restrictive, 6. Last evaluated: 2022-09-19. Review status: no assertion criteria provided. Collection method: clinical testing. Allele origin: germline. Inheritance: Autosomal recessive inheritance. Affected: yes. Observed: 1 heterozygote.
Comment: TAF1A encodes a TATA box-binding protein-associated factor which is required for RNA polymerase I to synthesize ribosomal RNA. This variant is rare from the gnomAD database with allele frequency 0.0001415 (40/282588 heterozygotes, 0 homozygote) indicating that it is not a common benign occurrence in the populations represented in the database. To the best of our knowledge, the variant c.781A>C, p.Thr261Pro in TAF1A has not been reported in any affected individual. . In silico prediction MutationTaster, Provean, and SIFT prediction softwares predicting this variant to be disease causing, damaging, and damaging, respectively. Based on these findings, and using the ACMG variant classification guidelines (Richards et al. Genet Med. 2015), this variant has been classified as variant of unknown significance.

NM_005681.4(TAF1A):c.781A>C (p.Thr261Pro)

Gene: TAF1A (TATA-box binding protein associated factor, RNA polymerase I subunit A; minus strand). Cytogenetic location: 1q41.
Variant type: single nucleotide variant.
Coding change: c.781A>C on transcript NM_005681.4 (MANE Select); coding-DNA position 781, A replaced by C.
Protein change: p.Thr261Pro; replaces threonine 261 with proline.
Molecular consequence: missense variant.
Genome position (GRCh38, 1-based): chr1:222,569,623, T>G on the plus strand (A>C on the coding strand, the complement: TAF1A is on the minus strand). VCF-style: chr1-222569623-T-G. GRCh37 (hg19) VCF-style: chr1-222742965-T-G.
Other names: c.781A>C, p.Thr261Pro (NM_001201536.1); c.439A>C, p.Thr147Pro (NM_139352.2); short protein forms T147P, T261P.
Identifiers: ClinVar variation 1706560 (VCV001706560.3), dbSNP rs141728719, ClinGen allele CA1406205.